The following is an entry in ClinVar:

ClinVar aggregate classification (germline): Likely benign. Review status: criteria provided, multiple submitters, no conflicts (2 of 4 stars). 4 submissions from 4 submitters: Likely benign (4). Last evaluated 2026-01-06.

Conditions:
Cardiovascular phenotype. Identifiers: MedGen CN230736.
Long QT syndrome (LQTS). Identifiers: MedGen C0023976, MeSH D008133, MONDO:0002442. Disease mechanism: loss of function. Inheritance: Various modes of inheritance.
Cardiac arrhythmia. Also called: Arrhythmia; Cardiac rhythm disease. Identifiers: MedGen C0003811, MONDO:0007263, HP:0011675.

Allele frequency attached by ClinVar (database versions not stated): ExAC 0.00001; gnomAD 0.00001; gnomAD exomes 0.00001; TOPMed 0.00001; ESP Exome Variant Server 0.00008; 1000 Genomes Project 30x 0.00016.
gnomAD v4.1: 8 of 1,606,328 alleles (0.0005%); highest among the groups gnomAD compares: East Asian, 0.009%; no homozygotes.

Submissions (4):

Labcorp Genetics (formerly Invitae), Labcorp
Classification: Likely benign for Long QT syndrome. Last evaluated: 2026-01-06. Review status: criteria provided, single submitter. Criteria: Invitae Variant Classification Sherloc (09022015). Collection method: clinical testing. Allele origin: germline.

All of Us Research Program, National Institutes of Health
Classification: Likely benign for Long QT syndrome. Last evaluated: 2023-12-01. Review status: criteria provided, single submitter. Criteria: ACMG Guidelines, 2015. Collection method: clinical testing. Allele origin: germline. Inheritance: Autosomal dominant inheritance. Observed: 2 variant alleles, 2 heterozygotes.
Comment: This study involves interpretation of variants in research participants for the purpose of population health screening. Participant phenotype was not available at the time of variant classification. Additional details can be found in publication PMID: 35346344, PMCID: PMC8962531

Ambry Genetics
Classification: Likely benign for Cardiovascular phenotype. Last evaluated: 2020-12-05. Review status: criteria provided, single submitter. Criteria: Ambry Variant Classification Scheme 2023. Collection method: clinical testing. Allele origin: germline.

Color Diagnostics, LLC DBA Color Health
Classification: Likely benign for Arrhythmia. Last evaluated: 2020-03-18. Review status: criteria provided, single submitter. Criteria: ACMG Guidelines, 2015. Collection method: clinical testing. Allele origin: germline.

NM_000238.4(KCNH2):c.36C>T (p.Asn12=)

Gene: KCNH2 (potassium voltage-gated channel subfamily H member 2; minus strand). Cytogenetic location: 7q36.1.
Variant type: single nucleotide variant.
Coding change: c.36C>T on transcript NM_000238.4 (MANE Select); coding-DNA position 36, C replaced by T.
Protein change: p.Asn12=; no amino-acid change (asparagine 12 retained).
Molecular consequence: synonymous variant. On other transcripts: non-coding transcript variant (1).
Genome position (GRCh38, 1-based): chr7:150,977,878, G>A on the plus strand (C>T on the coding strand, the complement: KCNH2 is on the minus strand). VCF-style: chr7-150977878-G-A. GRCh37 (hg19) VCF-style: chr7-150674966-G-A.
Other names: c.36C>T, p.Asn12= (NM_172056.3).
Identifiers: ClinVar variation 413321 (VCV000413321.19), dbSNP rs372029645, ClinGen allele CA039213.